The following is an entry in ClinVar:

ClinVar aggregate classification (germline): Uncertain significance (1 of 4 stars; one submission).

Conditions:
COL1A1-related disorder. Also called: COL1A1- related disease; COL1A1-related condition.

Submission:

PreventionGenetics, part of Exact Sciences
Classification: Uncertain significance for COL1A1-related condition. Last evaluated: 2023-06-22. Review status: criteria provided, single submitter. Criteria: ACMG Guidelines, 2015. Collection method: clinical testing. Allele origin: germline.
Comment: The COL1A1 c.449C>T variant is predicted to result in the amino acid substitution p.Pro150Leu. To our knowledge, this variant has not been reported in the literature or in a large population database, indicating this variant is rare. At this time, the clinical significance of this variant is uncertain due to the absence of conclusive functional and genetic evidence.

NM_000088.4(COL1A1):c.449C>T (p.Pro150Leu)

Gene: COL1A1 (collagen type I alpha 1 chain; minus strand). Cytogenetic location: 17q21.33.
Variant type: single nucleotide variant.
Coding change: c.449C>T on transcript NM_000088.4 (MANE Select); coding-DNA position 449, C replaced by T.
Protein change: p.Pro150Leu; replaces proline 150 with leucine.
Molecular consequence: missense variant.
Genome position (GRCh38, 1-based): chr17:50,199,248, G>A on the plus strand (C>T on the coding strand, the complement: COL1A1 is on the minus strand). VCF-style: chr17-50199248-G-A. GRCh37 (hg19) VCF-style: chr17-48276609-G-A.
Other names: short protein forms P150L.
Identifiers: ClinVar variation 2632204 (VCV002632204.1), dbSNP rs2509253401, ClinGen allele CA400227295.